The following is an entry in ClinVar:

NM_001365276.2(TNXB):c.12633+8G>A

Genes: TNXB (tenascin XB; minus strand), LOC106780803 (tenascin XB recombination region; plus strand). Cytogenetic location: 6p21.33.
Variant type: single nucleotide variant.
Coding change: c.12633+8G>A on transcript NM_001365276.2 (MANE Select); 8 bases into the intron after coding-DNA position 12633, G replaced by A.
Molecular consequence: intron variant.
Genome position (GRCh38, 1-based): chr6:32,041,763, C>T on the plus strand (G>A on the coding strand, the complement: TNXB is on the minus strand). VCF-style: chr6-32041763-C-T. GRCh37 (hg19) VCF-style: chr6-32009540-C-T.
Other names: p.?; c.12627+8G>A (NM_019105.8); c.13374+8G>A (NM_001428335.1); c.1920+8G>A (NM_032470.4).
Identifiers: ClinVar variation 4534398 (VCV004534398.7).

ClinVar aggregate classification (germline): Likely benign. Review status: criteria provided, multiple submitters, no conflicts (2 of 4 stars). 2 submissions from 2 submitters: Likely benign (2). Last evaluated 2026-03-01.

Submissions (2):

CeGaT Center for Human Genetics Tuebingen
Classification: Likely benign. Last evaluated: 2026-03-01. Review status: criteria provided, single submitter. Criteria: CeGaT Center For Human Genetics Tuebingen Variant Classification Criteria Version 2. Collection method: clinical testing. Allele origin: germline. Affected: yes. Observed: 2 variant alleles.
Comment: TNXB: BP4

Mayo Clinic Laboratories, Mayo Clinic
Classification: Likely benign. Last evaluated: 2025-10-22. Review status: criteria provided, single submitter. Criteria: ACMG Guidelines, 2015. Collection method: clinical testing. Allele origin: germline. Observed: 1 variant allele.
Comment: BS1, BP4, BP7